The following is an entry in ClinVar:

ClinVar aggregate classification (germline): Benign (1 of 4 stars; one submission).

Submissions (3):

CeGaT Center for Human Genetics Tuebingen
Classification: Benign. Last evaluated: 2025-01-01. Review status: criteria provided, single submitter. Criteria: CeGaT Center For Human Genetics Tuebingen Variant Classification Criteria Version 2. Collection method: clinical testing. Allele origin: germline. Affected: yes. Observed: 1 variant allele.
Comment: NPSR1: BS1, BS2

Dr. Peter K. Rogan Lab, Western University
No classification provided (evidence only). Condition: Colorectal cancer. Review status: no classification provided. Collection method: in vitro. Allele origin: not applicable. Functional consequence: retained intron. Not counted in ClinVar's aggregate classification.

Dr. Peter K. Rogan Lab, Western University
No classification provided (evidence only). Condition: Uterine corpus endometrial carcinoma. Review status: no classification provided. Collection method: in vitro. Allele origin: not applicable. Functional consequence: retained intron. Not counted in ClinVar's aggregate classification.

NM_207172.2(NPSR1):c.860G>A (p.Trp287Ter)

Gene: NPSR1 (neuropeptide S receptor 1; plus strand). Cytogenetic location: 7p14.3.
Variant type: single nucleotide variant.
Coding change: c.860G>A on transcript NM_207172.2 (MANE Select); coding-DNA position 860, G replaced by A.
Protein change: p.Trp287Ter; replaces tryptophan 287 with a stop codon.
Molecular consequence: nonsense.
Genome position (GRCh38, 1-based): chr7:34,848,498, G>A. VCF-style: chr7-34848498-G-A. GRCh37 (hg19) VCF-style: chr7-34888110-G-A.
Other names: NC_000007.13:g.34888110G>A; c.827G>A, p.Trp276Ter (NM_001300933.2); c.662G>A, p.Trp221Ter (NM_001300934.2); c.860G>A, p.Trp287Ter (NM_001300935.2, NM_207173.2); short protein forms W221*, W276*, W287*.
Identifiers: ClinVar variation 3771061 (VCV003771061.14).